The following is an entry in ClinVar:

ClinVar aggregate classification (germline): Pathogenic/Likely pathogenic. Review status: criteria provided, multiple submitters, no conflicts (2 of 4 stars). 3 submissions from 3 submitters: Pathogenic (2); Likely pathogenic (1). Last evaluated 2026-02-14.

Conditions:
Rubinstein-Taybi syndrome due to CREBBP mutations (RSTS1). Also called: RUBINSTEIN-TAYBI SYNDROME 1, INCOMPLETE; RUBINSTEIN SYNDROME; BROAD THUMBS AND GREAT TOES, CHARACTERISTIC FACIES, AND IMPAIRED INTELLECTUAL DEVELOPMENT; BROAD THUMB-HALLUX SYNDROME; CREBBP-Related Rubinstein-Taybi Syndrome; Rubinstein-Taybi syndrome 1. Identifiers: Orphanet 353277, Orphanet 783, MedGen C4551859, MONDO:0008393, OMIM 180849.

Submissions (3):

GeneDx
Classification: Pathogenic. Last evaluated: 2026-02-14. Review status: criteria provided, single submitter. Criteria: GeneDx Variant Classification Process June 2021. Collection method: clinical testing. Allele origin: germline.
Comment: Previously reported as a de novo variant in a cohort of patients with developmental disorders (PMID: 33057194); Not observed at significant frequency in large population cohorts (gnomAD); In silico analysis supports that this missense variant has a deleterious effect on protein structure/function; This variant is associated with the following publications: (PMID: 35982159, 27311832, 33057194)

MGZ Medical Genetics Center
Classification: Pathogenic for Rubinstein-Taybi syndrome due to CREBBP mutations. Last evaluated: 2021-11-03. Review status: criteria provided, single submitter. Criteria: ACMG Guidelines, 2015. Collection method: clinical testing. Allele origin: germline. Affected: yes. Observed: 1 variant allele.
Comment: ACMG criteria applied: PS2, PM1, PM5, PM2_SUP, PP3

Institute of Human Genetics, University of Leipzig Medical Center
Classification: Likely pathogenic for Rubinstein-Taybi syndrome due to CREBBP mutations. Last evaluated: 2017-09-04. Review status: criteria provided, single submitter. Criteria: ACMG Guidelines, 2015. Collection method: clinical testing. Allele origin: germline. Affected: yes. Observed: 1 variant allele.

NM_004380.3(CREBBP):c.5158T>C (p.Cys1720Arg)

Gene: CREBBP (CREB binding lysine acetyltransferase; minus strand). Cytogenetic location: 16p13.3.
Variant type: single nucleotide variant.
Coding change: c.5158T>C on transcript NM_004380.3 (MANE Select); coding-DNA position 5158, T replaced by C.
Protein change: p.Cys1720Arg; replaces cysteine 1720 with arginine.
Molecular consequence: missense variant.
Genome position (GRCh38, 1-based): chr16:3,731,206, A>G on the plus strand (T>C on the coding strand, the complement: CREBBP is on the minus strand). VCF-style: chr16-3731206-A-G. GRCh37 (hg19) VCF-style: chr16-3781207-A-G.
Other names: c.5044T>C, p.Cys1682Arg (NM_001079846.1); short protein forms C1682R, C1720R.
Identifiers: ClinVar variation 976122 (VCV000976122.5), dbSNP rs2051906390, ClinGen allele CA394558036.